The following is an entry in ClinVar:

NM_001174147.2(LMX1B):c.559G>C (p.Val187Leu)

Gene: LMX1B (LIM homeobox transcription factor 1 beta; plus strand). Cytogenetic location: 9q33.3.
Variant type: single nucleotide variant.
Coding change: c.559G>C on transcript NM_001174147.2 (MANE Select); coding-DNA position 559, G replaced by C.
Protein change: p.Val187Leu; replaces valine 187 with leucine.
Molecular consequence: missense variant.
Genome position (GRCh38, 1-based): chr9:126,691,068, G>C. VCF-style: chr9-126691068-G-C. GRCh37 (hg19) VCF-style: chr9-129453347-G-C.
Other names: c.559G>C, p.Val187Leu (NM_001174146.2, NM_002316.4); short protein forms V187L.
Identifiers: ClinVar variation 4810422 (VCV004810422.1).
Genomic context (GRCh38, chr9:126,691,068, plus strand): 5'-GGTGACTACGAGAAGGAGAAGGACCTGCTCAGCTCCGTGAGCCCCGACGAGTCCGACTCC[G>C]GTGAGGCCTGGCCTGAGCTGGGGGCAGGCCTCAGGGACGGGGGTTGCTGGGGTGTCCTGG-3'
Protein context (NP_001167618.1, residues 177-197): SSVSPDESDS[Val187Leu]KSEDEDGDMK

ClinVar aggregate classification (germline): Uncertain significance (1 of 4 stars; one submission).

Submission:

Labcorp Genetics (formerly Invitae), Labcorp
Classification: Uncertain significance. Last evaluated: 2026-01-18. Review status: criteria provided, single submitter. Criteria: Invitae Variant Classification Sherloc (09022015). Collection method: clinical testing. Allele origin: germline.
Comment: This sequence change replaces valine, which is neutral and non-polar, with leucine, which is neutral and non-polar, at codon 187 of the LMX1B protein (p.Val187Leu). This variant also falls at the last nucleotide of exon 3, which is part of the consensus splice site for this exon. This variant is not present in population databases (gnomAD no frequency). This variant has not been reported in the literature in individuals affected with LMX1B-related conditions. An algorithm developed to predict the effect of missense changes on protein structure and function (PolyPhen-2) suggests that this variant is likely to be disruptive. Variants that disrupt the consensus splice site are a relatively common cause of aberrant splicing (PMID: 17576681, 9536098). Algorithms developed to predict the effect of sequence changes on RNA splicing suggest that this variant may disrupt the consensus splice site. In summary, the available evidence is currently insufficient to determine the role of this variant in disease. Therefore, it has been classified as a Variant of Uncertain Significance.

Literature cited by the submitters: PubMed 17576681; PubMed 9536098.